The following is an entry in ClinVar:

ClinVar aggregate classification (germline): Conflicting classifications of pathogenicity. Review status: criteria provided, conflicting classifications (1 of 4 stars). 5 submissions from 5 submitters: Uncertain significance (1); Benign (1); Likely benign (2). 1 of the submissions does not count toward it. Last evaluated 2026-02-04.

Conditions:
Chondrodysplasia punctata, brachytelephalangic, autosomal. Also called: BRACHYTELEPHALANGIC CHONDRODYSPLASIA PUNCTATA. Identifiers: MedGen C1844853, MONDO:0011238, OMIM 602497.
X-linked chondrodysplasia punctata 1 (CDPX1). Also called: CHONDRODYSPLASIA PUNCTATA, BRACHYTELEPHALANGIC; Chondrodysplasia punctata, X-linked recessive. Identifiers: Orphanet 79345, MedGen C3669395, MONDO:0010555, OMIM 302950.

Allele frequency attached by ClinVar (database versions not stated): TOPMed 0.00111; ESP Exome Variant Server 0.00114; 1000 Genomes Project 30x 0.00125; gnomAD 0.00129 and 0.00139; ExAC 0.00142; gnomAD exomes 0.00144 and 0.00189; 1000 Genomes Project 0.00159.
gnomAD v4.1: 2,208 of 1,202,578 alleles (0.18%); highest among the groups gnomAD compares: South Asian, 0.34%; 3 homozygotes.

Submissions (5):

Labcorp Genetics (formerly Invitae), Labcorp
Classification: Benign for Chondrodysplasia punctata, brachytelephalangic, autosomal. Last evaluated: 2026-02-04. Review status: criteria provided, single submitter. Criteria: Invitae Variant Classification Sherloc (09022015). Collection method: clinical testing. Allele origin: germline.

Blueprint Genetics
Classification: Likely benign. Last evaluated: 2024-11-28. Review status: criteria provided, single submitter. Criteria: ACMG Guidelines, 2015. Collection method: clinical testing. Allele origin: germline.

ARUP Laboratories, Molecular Genetics and Genomics, ARUP Laboratories
Classification: Likely benign for X-linked chondrodysplasia punctata 1. Last evaluated: 2023-01-04. Review status: criteria provided, single submitter. Criteria: ARUP Molecular Germline Variant Investigation Process 2024. Collection method: clinical testing. Allele origin: germline.

Mayo Clinic Laboratories, Mayo Clinic
Classification: Uncertain significance for X-linked chondrodysplasia punctata 1. Last evaluated: 2016-06-30. Review status: criteria provided, single submitter. Criteria: ACMG Guidelines, 2015. Collection method: clinical testing. Allele origin: maternal.

Department of Pathology and Laboratory Medicine, Sinai Health System
Classification: Likely benign. Review status: no assertion criteria provided. Collection method: clinical testing. Allele origin: unknown. Affected: yes. Study: The Canadian Open Genetics Repository (COGR). Not counted in ClinVar's aggregate classification.
Comment: The ARSE p.Ile520Ser variant was not identified in the literature but was identified in dbSNP (ID: rs142375403), ClinVar (classified as uncertain significance by Mayo Clinic and as benign by Invitae), and LOVD 3.0. The variant was identified in control databases in 283 of 199026 chromosomes (109 hemizygous) at a frequency of 0.001422 increasing the likelihood this could be a low frequency benign variant (Genome Aggregation Database March 6, 2019, v2.1.1). The variant was observed in the following populations: South Asian in 46 of 17733 chromosomes (freq: 0.002594), European (non-Finnish) in 201 of 89630 chromosomes (freq: 0.002243), Other in 5 of 5143 chromosomes (freq: 0.000972), Latino in 24 of 27605 chromosomes (freq: 0.000869), African in 6 of 18858 chromosomes (freq: 0.000318) and European (Finnish) in 1 of 18140 chromosomes (freq: 0.000055), but was not observed in the Ashkenazi Jewish or East Asian populations. The p.Ile520 residue is not conserved in mammals and four out of five computational analyses (PolyPhen-2, SIFT, AlignGVGD, BLOSUM, MutationTaster) do not suggest a high likelihood of impact to the protein; however, this information is not predictive enough to rule out pathogenicity. The variant occurs outside of the splicing consensus sequence and in silico or computational prediction software programs (SpliceSiteFinder, MaxEntScan, NNSPLICE, GeneSplicer) do not predict a difference in splicing. In summary, based on the above information the clinical significance of this variant cannot be determined with certainty at this time although we would lean towards a more benign role for this variant. This variant is classified as likely benign.

NM_000047.3(ARSL):c.1694T>G (p.Ile565Ser)

Gene: ARSL (arylsulfatase L; minus strand). Cytogenetic location: Xp22.33.
Variant type: single nucleotide variant.
Coding change: c.1694T>G on transcript NM_000047.3 (MANE Select); coding-DNA position 1694, T replaced by G.
Protein change: p.Ile565Ser; replaces isoleucine 565 with serine.
Molecular consequence: missense variant.
Genome position (GRCh38, 1-based): chrX:2,934,908, A>C on the plus strand (T>G on the coding strand, the complement: ARSL is on the minus strand). VCF-style: chrX-2934908-A-C. GRCh37 (hg19) VCF-style: chrX-2852949-A-C.
Other names: c.1769T>G, p.Ile590Ser (NM_001282628.2, NM_001369080.1); c.1532T>G, p.Ile511Ser (NM_001282631.2); c.1721T>G, p.Ile574Ser (NM_001369079.1); short protein forms I565S, I511S, I590S, I574S.
Identifiers: ClinVar variation 547861 (VCV000547861.18), dbSNP rs142375403, ClinGen allele CA10337972.